The following is an entry in ClinVar:

NM_138959.3(VANGL1):c.1336A>G (p.Ser446Gly)

Gene: VANGL1 (VANGL planar cell polarity protein 1; plus strand). Cytogenetic location: 1p13.1.
Variant type: single nucleotide variant.
Coding change: c.1336A>G on transcript NM_138959.3 (MANE Select); coding-DNA position 1336, A replaced by G.
Protein change: p.Ser446Gly; replaces serine 446 with glycine.
Molecular consequence: missense variant.
Genome position (GRCh38, 1-based): chr1:115,691,140, A>G. VCF-style: chr1-115691140-A-G. GRCh37 (hg19) VCF-style: chr1-116233761-A-G.
Other names: c.1330A>G, p.Ser444Gly (NM_001172411.2); c.1336A>G, p.Ser446Gly (NM_001172412.2); short protein forms S444G, S446G.
Identifiers: ClinVar variation 4848349 (VCV004848349.1).

ClinVar aggregate classification (germline): Uncertain significance (1 of 4 stars; one submission).

Submission:

Women's Health and Genetics/Laboratory Corporation of America, LabCorp
Classification: Uncertain significance. Last evaluated: 2026-04-21. Review status: criteria provided, single submitter. Criteria: LabCorp Variant Classification Summary - May 2015. Collection method: clinical testing. Allele origin: germline.
Comment: Variant summary: VANGL1 c.1336A>G (p.Ser446Gly) results in a non-conservative amino acid change in the encoded protein sequence. Algorithms developed to predict the effect of missense changes on protein structure and function are either unavailable or do not agree on the potential impact of this missense change. The variant was absent in 251444 control chromosomes. The available data on variant occurrences in the general population are insufficient to allow any conclusion about variant significance. To our knowledge, no occurrence of c.1336A>G in individuals affected with VANGL1-related conditions and no experimental evidence demonstrating its impact on protein function have been reported. No submitters have cited clinical-significance assessments for this variant to ClinVar. Based on the evidence outlined above, the variant was classified as uncertain significance.